The following is an entry in ClinVar:

ClinVar aggregate classification (germline): Uncertain significance. Review status: criteria provided, multiple submitters, no conflicts (2 of 4 stars). 3 submissions from 3 submitters: Uncertain significance (3). Last evaluated 2024-10-08.

Conditions:
Ataxia-telangiectasia-like disorder (ATLD). Identifiers: MedGen C1858391, MONDO:0011457.
Hereditary cancer-predisposing syndrome. Also called: Neoplastic Syndromes, Hereditary; Hereditary Cancer Syndrome; Tumor predisposition; Hereditary neoplastic syndrome. Identifiers: Orphanet 140162, MedGen C0027672, MeSH D009386, MONDO:0015356.

gnomAD v4.1: 1 of 1,613,742 alleles (0.000062%); highest among the groups gnomAD compares: Non-Finnish European, 0.000085%; no homozygotes.

Submissions (3):

Labcorp Genetics (formerly Invitae), Labcorp
Classification: Uncertain significance for Ataxia-telangiectasia-like disorder. Last evaluated: 2024-10-08. Review status: criteria provided, single submitter. Criteria: Invitae Variant Classification Sherloc (09022015). Collection method: clinical testing. Allele origin: germline.
Comment: This sequence change replaces cysteine, which is neutral and slightly polar, with tyrosine, which is neutral and polar, at codon 75 of the MRE11 protein (p.Cys75Tyr). This variant is not present in population databases (gnomAD no frequency). This variant has not been reported in the literature in individuals affected with MRE11-related conditions. ClinVar contains an entry for this variant (Variation ID: 233386). An algorithm developed to predict the effect of missense changes on protein structure and function (PolyPhen-2) suggests that this variant is likely to be disruptive. In summary, the available evidence is currently insufficient to determine the role of this variant in disease. Therefore, it has been classified as a Variant of Uncertain Significance.

Ambry Genetics
Classification: Uncertain significance for Hereditary cancer-predisposing syndrome. Last evaluated: 2023-06-07. Review status: criteria provided, single submitter. Criteria: Ambry Variant Classification Scheme 2023. Collection method: clinical testing. Allele origin: germline.
Comment: The p.C75Y variant (also known as c.224G>A), located in coding exon 3 of the MRE11A gene, results from a G to A substitution at nucleotide position 224. The cysteine at codon 75 is replaced by tyrosine, an amino acid with highly dissimilar properties. This amino acid position is highly conserved in available vertebrate species. In addition, this alteration is predicted to be deleterious by in silico analysis. Since supporting evidence is limited at this time, the clinical significance of this alteration remains unclear.

CeGaT Center for Human Genetics Tuebingen
Classification: Uncertain significance. Last evaluated: 2018-04-01. Review status: criteria provided, single submitter. Criteria: CeGaT Center For Human Genetics Tuebingen Variant Classification Criteria Version 2. Collection method: clinical testing. Allele origin: germline. Affected: yes. Observed: 1 variant allele.

NM_005591.4(MRE11):c.224G>A (p.Cys75Tyr)

Gene: MRE11 (MRE11 double strand break repair nuclease; minus strand). Cytogenetic location: 11q21.
Variant type: single nucleotide variant.
Coding change: c.224G>A on transcript NM_005591.4 (MANE Select); coding-DNA position 224, G replaced by A.
Protein change: p.Cys75Tyr; replaces cysteine 75 with tyrosine.
Molecular consequence: missense variant.
Genome position (GRCh38, 1-based): chr11:94,486,014, C>T on the plus strand (G>A on the coding strand, the complement: MRE11 is on the minus strand). VCF-style: chr11-94486014-C-T. GRCh37 (hg19) VCF-style: chr11-94219180-C-T.
Other names: c.224G>A, p.Cys75Tyr (NM_001330347.2, NM_005590.4); short protein forms C75Y.
Identifiers: ClinVar variation 233386 (VCV000233386.51), dbSNP rs772423554, ClinGen allele CA10579420.